The following is an entry in ClinVar:

NM_024753.5(TTC21B):c.1087+1G>A

Gene: TTC21B (tetratricopeptide repeat domain 21B; minus strand). Cytogenetic location: 2q24.3.
Variant type: single nucleotide variant.
Coding change: c.1087+1G>A on transcript NM_024753.5 (MANE Select); the canonical splice donor site of the intron after coding-DNA position 1087, G replaced by A.
Molecular consequence: splice donor variant.
Genome position (GRCh38, 1-based): chr2:165,930,171, C>T on the plus strand (G>A on the coding strand, the complement: TTC21B is on the minus strand). VCF-style: chr2-165930171-C-T. GRCh37 (hg19) VCF-style: chr2-166786681-C-T.
Identifiers: ClinVar variation 1473506 (VCV001473506.9), dbSNP rs776301212, ClinGen allele CA1942250.

ClinVar aggregate classification (germline): Likely pathogenic. Review status: criteria provided, multiple submitters, no conflicts (2 of 4 stars). 2 submissions from 2 submitters: Likely pathogenic (2). Last evaluated 2025-06-02.

Conditions:
Jeune thoracic dystrophy. Also called: Short-rib thoracic dysplasia; Jeune syndrome; Infantile thoracic dystrophy; Thoracic pelvic phalangeal dystrophy; Jeune's syndrome; Chondroectodermal dysplasia-like syndrome. Identifiers: Orphanet 474, MedGen C0265275, MONDO:0018770.
Nephronophthisis. Also called: Juvenile Nephronophthisis. Identifiers: Orphanet 655, MedGen C0687120, MONDO:0019005, HP:0000090.
Asphyxiating thoracic dystrophy 4 (SRTD4). Also called: SHORT-RIB THORACIC DYSPLASIA 4 WITH OR WITHOUT POLYDACTYLY; SHORT-RIB THORACIC DYSPLASIA 4. Identifiers: Orphanet 474, MedGen C3151185, MONDO:0013441, OMIM 613819.
Nephronophthisis 12 (NPHP12). Identifiers: Orphanet 655, MedGen C3151186, MONDO:0013442, OMIM 613820.

Allele frequency attached by ClinVar (database versions not stated): TOPMed below 0.00001; gnomAD 0.00001; ExAC 0.00002.
gnomAD v4.1: 12 of 1,611,350 alleles (0.00074%); highest among the groups gnomAD compares: Non-Finnish European, 0.00093%; no homozygotes.

Submissions (2):

Labcorp Genetics (formerly Invitae), Labcorp
Classification: Likely pathogenic for Jeune thoracic dystrophy; Nephronophthisis. Last evaluated: 2025-06-02. Review status: criteria provided, single submitter. Criteria: Invitae Variant Classification Sherloc (09022015). Collection method: clinical testing. Allele origin: germline.
Comment: This sequence change affects a donor splice site in intron 9 of the TTC21B gene. It is expected to disrupt RNA splicing. Variants that disrupt the donor or acceptor splice site typically lead to a loss of protein function (PMID: 16199547), and loss-of-function variants in TTC21B are known to be pathogenic (PMID: 18327258, 21068128, 21258341, 23559409, 24876116, 25492405, 27491411, 29068549). This variant is present in population databases (rs776301212, gnomAD 0.002%). This variant has not been reported in the literature in individuals affected with TTC21B-related conditions. ClinVar contains an entry for this variant (Variation ID: 1473506). Algorithms developed to predict the effect of sequence changes on RNA splicing suggest that this variant may disrupt the consensus splice site. In summary, the currently available evidence indicates that the variant is pathogenic, but additional data are needed to prove that conclusively. Therefore, this variant has been classified as Likely Pathogenic.

Fulgent Genetics
Classification: Likely pathogenic for Asphyxiating thoracic dystrophy 4; Nephronophthisis 12. Last evaluated: 2022-01-13. Review status: criteria provided, single submitter. Criteria: ACMG Guidelines, 2015. Collection method: clinical testing. Allele origin: unknown.

Literature cited by the submitters: PubMed 16199547 (cited by Labcorp Genetics (formerly Invitae), Labcorp); PubMed 18327258 (cited by Labcorp Genetics (formerly Invitae), Labcorp); PubMed 21068128 (cited by Labcorp Genetics (formerly Invitae), Labcorp); PubMed 21258341 (cited by Labcorp Genetics (formerly Invitae), Labcorp); PubMed 23559409 (cited by Labcorp Genetics (formerly Invitae), Labcorp); PubMed 24876116 (cited by Labcorp Genetics (formerly Invitae), Labcorp); PubMed 25492405 (cited by Labcorp Genetics (formerly Invitae), Labcorp); PubMed 27491411 (cited by Labcorp Genetics (formerly Invitae), Labcorp); PubMed 29068549 (cited by Labcorp Genetics (formerly Invitae), Labcorp).